The following is an entry in ClinVar:

NM_198999.3(SLC26A5):c.727G>A (p.Val243Met)

Gene: SLC26A5 (solute carrier family 26 member 5; minus strand). Cytogenetic location: 7q22.1.
Variant type: single nucleotide variant.
Coding change: c.727G>A on transcript NM_198999.3 (MANE Select); coding-DNA position 727, G replaced by A.
Protein change: p.Val243Met; replaces valine 243 with methionine.
Molecular consequence: missense variant. On other transcripts: non-coding transcript variant (5).
Genome position (GRCh38, 1-based): chr7:103,410,393, C>T on the plus strand (G>A on the coding strand, the complement: SLC26A5 is on the minus strand). VCF-style: chr7-103410393-C-T. GRCh37 (hg19) VCF-style: chr7-103050840-C-T.
Other names: c.727G>A, p.Val243Met (NM_001167962.2, NM_001321787.2, NM_206883.3 and 2 more transcripts); short protein forms V243M.
Identifiers: ClinVar variation 4984482 (VCV004984482.1).

ClinVar aggregate classification (germline): Uncertain significance (1 of 4 stars; one submission).

Conditions:
SLC26A5-related disorder. Also called: SLC26A5-related condition.

gnomAD v4.1: 154 of 1,613,892 alleles (0.0095%); highest among the groups gnomAD compares: East Asian, 0.058%; no homozygotes.

Submission:

PreventionGenetics, part of Exact Sciences
Classification: Uncertain significance for SLC26A5-related condition. Last evaluated: 2026-03-17. Review status: criteria provided, single submitter. Criteria: ACMG Guidelines, 2015. Collection method: clinical testing. Allele origin: germline.
Comment: The SLC26A5 c.727G>A variant is predicted to result in the amino acid substitution p.Val243Met. To our knowledge, this variant has not been reported in the literature. This variant is reported in 0.065% of alleles in individuals of East Asian descent in gnomAD. Although we suspect that this variant may be benign, at this time, the clinical significance of this variant is uncertain due to the absence of conclusive functional and genetic evidence.